The following is an entry in ClinVar:

ClinVar aggregate classification (germline): Uncertain significance. Review status: criteria provided, multiple submitters, no conflicts (2 of 4 stars). 10 submissions from 6 submitters: Uncertain significance (10). Last evaluated 2025-04-01.

Conditions:
Dystonia 9 (DYT9). Also called: CHOREOATHETOSIS, KINESIGENIC, WITH EPISODIC ATAXIA AND SPASTICITY. Identifiers: Orphanet 53583, MedGen C1832855, MONDO:0010983, OMIM 601042.
Encephalopathy due to GLUT1 deficiency. Also called: Glucose transporter protein syndrome; De Vivo disease; GLUT1 deficiency syndrome 1; GLUT1 deficiency syndrome 1, infantile onset, severe; Classic Glucose Transporter Type 1 Deficiency Syndrome; GLUCOSE TRANSPORT DEFECT, BLOOD-BRAIN BARRIER. Identifiers: Orphanet 71277, MedGen C4551966, MONDO:0011724, OMIM 606777.
GLUT1 deficiency syndrome 1, autosomal recessive. Identifiers: MedGen C3149117.
Hereditary cryohydrocytosis with reduced stomatin. Also called: Stomatin-deficient cryohydrocytosis with neurologic defects; GLUT1 DEFICIENCY SYNDROME WITH PSEUDOHYPERKALEMIA AND HEMOLYSIS. Identifiers: Orphanet 168577, MedGen C1837206, MONDO:0012143, OMIM 608885.
Inborn genetic diseases. Identifiers: MedGen C0950123, MeSH D030342.
Epilepsy, idiopathic generalized, susceptibility to, 12 (EIG12). Identifiers: MedGen C3553859, MONDO:0013919, OMIM 614847.
Childhood onset GLUT1 deficiency syndrome 2. Also called: Exertion-induced paroxysmal dyskinesia; PAROXYSMAL EXERCISE-INDUCED DYSKINESIA WITH OR WITHOUT EPILEPSY AND/OR HEMOLYTIC ANEMIA; PAROXYSMAL EXERTION-INDUCED DYSTONIA WITH OR WITHOUT EPILEPSY AND/OR HEMOLYTIC ANEMIA; PED WITH OR WITHOUT EPILEPSY AND/OR HEMOLYTIC ANEMIA; Paroxysmal exercise-induced dystonia; GLUT1 deficiency syndrome 2. Identifiers: Orphanet 98811, MedGen C1842534, MONDO:0012805, OMIM 612126.

Allele frequency attached by ClinVar (database versions not stated): gnomAD exomes below 0.00001 and 0.00001; TOPMed 0.00001.
gnomAD v4.1: 7 of 1,613,980 alleles (0.00043%); highest among the groups gnomAD compares: East Asian, 0.0022%; no homozygotes.

Submissions (10):

CeGaT Center for Human Genetics Tuebingen
Classification: Uncertain significance. Last evaluated: 2025-04-01. Review status: criteria provided, single submitter. Criteria: CeGaT Center For Human Genetics Tuebingen Variant Classification Criteria Version 2. Collection method: clinical testing. Allele origin: germline. Affected: yes. Observed: 1 variant allele.
Comment: SLC2A1: PM2

Labcorp Genetics (formerly Invitae), Labcorp
Classification: Uncertain significance for GLUT1 deficiency syndrome 1, autosomal recessive. Last evaluated: 2024-04-25. Review status: criteria provided, single submitter. Criteria: Invitae Variant Classification Sherloc (09022015). Collection method: clinical testing. Allele origin: germline.
Comment: This sequence change replaces glutamine, which is neutral and polar, with lysine, which is basic and polar, at codon 25 of the SLC2A1 protein (p.Gln25Lys). This variant is present in population databases (no rsID available, gnomAD 0.0009%). This missense change has been observed in individual(s) with SLC2A1-related conditions (PMID: 35586607). ClinVar contains an entry for this variant (Variation ID: 663015). Advanced modeling of protein sequence and biophysical properties (such as structural, functional, and spatial information, amino acid conservation, physicochemical variation, residue mobility, and thermodynamic stability) performed at Invitae indicates that this missense variant is expected to disrupt SLC2A1 protein function with a positive predictive value of 95%. In summary, the available evidence is currently insufficient to determine the role of this variant in disease. Therefore, it has been classified as a Variant of Uncertain Significance.

Ambry Genetics
Classification: Uncertain significance for Inborn genetic diseases. Last evaluated: 2024-01-25. Review status: criteria provided, single submitter. Criteria: Ambry Variant Classification Scheme 2023. Collection method: clinical testing. Allele origin: germline.

Women's Health and Genetics/Laboratory Corporation of America, LabCorp
Classification: Uncertain significance. Last evaluated: 2023-06-14. Review status: criteria provided, single submitter. Criteria: LabCorp Variant Classification Summary - May 2015. Collection method: clinical testing. Allele origin: germline.
Comment: Variant summary: SLC2A1 c.73C>A (p.Gln25Lys) results in a conservative amino acid change located in the Major facilitator superfamily domain (IPR020846) of the encoded protein sequence. Four of five in-silico tools predict a damaging effect of the variant on protein function. The variant allele was found at a frequency of 4e-06 in 250478 control chromosomes. The available data on variant occurrences in the general population are insufficient to allow any conclusion about variant significance. To our knowledge, no occurrence of c.73C>A has been reported in the literature in individuals affected with GLUT1 Deficiency Syndrome 1 and no experimental evidence demonstrating an impact on protein function has been reported. The following publication has been ascertained in the context of this evaluation (PMID: 35586607). Two clinical diagnostic laboratories have submitted clinical-significance assessments for this variant to ClinVar after 2014. All laboratories classified the variant as uncertain significance. Based on the evidence outlined above, the variant was classified as uncertain significance.

Genome-Nilou Lab
Classification: Uncertain significance for Epilepsy, idiopathic generalized, susceptibility to, 12. Last evaluated: 2023-04-11. Review status: criteria provided, single submitter. Criteria: ACMG Guidelines, 2015. Collection method: clinical testing. Allele origin: germline. Affected: no.

Genome-Nilou Lab
Classification: Uncertain significance for Dystonia 9. Last evaluated: 2023-04-11. Review status: criteria provided, single submitter. Criteria: ACMG Guidelines, 2015. Collection method: clinical testing. Allele origin: germline. Affected: no.

Genome-Nilou Lab
Classification: Uncertain significance for Encephalopathy due to GLUT1 deficiency. Last evaluated: 2023-04-11. Review status: criteria provided, single submitter. Criteria: ACMG Guidelines, 2015. Collection method: clinical testing. Allele origin: germline. Affected: no.

Genome-Nilou Lab
Classification: Uncertain significance for Childhood onset GLUT1 deficiency syndrome 2. Last evaluated: 2023-04-11. Review status: criteria provided, single submitter. Criteria: ACMG Guidelines, 2015. Collection method: clinical testing. Allele origin: germline. Affected: no.

Genome-Nilou Lab
Classification: Uncertain significance for Hereditary cryohydrocytosis with reduced stomatin. Last evaluated: 2023-04-11. Review status: criteria provided, single submitter. Criteria: ACMG Guidelines, 2015. Collection method: clinical testing. Allele origin: germline. Affected: no.

Mayo Clinic Laboratories, Mayo Clinic
Classification: Uncertain significance. Last evaluated: 2020-07-14. Review status: criteria provided, single submitter. Criteria: ACMG Guidelines, 2015. Collection method: clinical testing. Allele origin: germline. Observed: 1 variant allele.

Literature cited by the submitters: PubMed 35586607 (cited by Labcorp Genetics (formerly Invitae), Labcorp and Women's Health and Genetics/Laboratory Corporation of America, LabCorp).

NM_006516.4(SLC2A1):c.73C>A (p.Gln25Lys)

Gene: SLC2A1 (solute carrier family 2 member 1; minus strand). Cytogenetic location: 1p34.2.
Variant type: single nucleotide variant.
Coding change: c.73C>A on transcript NM_006516.4 (MANE Select); coding-DNA position 73, C replaced by A.
Protein change: p.Gln25Lys; replaces glutamine 25 with lysine.
Molecular consequence: missense variant.
Genome position (GRCh38, 1-based): chr1:42,943,267, G>T on the plus strand (C>A on the coding strand, the complement: SLC2A1 is on the minus strand). VCF-style: chr1-42943267-G-T. GRCh37 (hg19) VCF-style: chr1-43408938-G-T.
Other names: short protein forms Q25K.
Identifiers: ClinVar variation 663015 (VCV000663015.21), dbSNP rs1165759782, ClinGen allele CA339964816.
Genomic context (GRCh38, chr1:42,943,267, plus strand): 5'-ACGATGGCACAGTACTCACCTTCTGGGGGGCATTGATGACTCCAGTGTTGTAGCCAAACT[G>T]CAGGGAGCCAAGCACTGCTCCTCCCACGGCCAGCATGAGGCGACCCGTCAGCTTCTGCGG-3'
Protein context (NP_006507.2, residues 15-35): AVGGAVLGSL[Gln25Lys]FGYNTGVINA